The following is an entry in ClinVar:

ClinVar aggregate classification (germline): Uncertain significance (1 of 4 stars; one submission).

Submission:

Labcorp Genetics (formerly Invitae), Labcorp
Classification: Uncertain significance. Last evaluated: 2021-01-13. Review status: criteria provided, single submitter. Criteria: Invitae Variant Classification Sherloc (09022015). Collection method: clinical testing. Allele origin: germline.
Comment: This sequence change replaces glycine with valine at codon 501 of the MTHFD1 protein (p.Gly501Val). The glycine residue is highly conserved and there is a moderate physicochemical difference between glycine and valine. This variant is not present in population databases (ExAC no frequency). This variant has not been reported in the literature in individuals with MTHFD1-related conditions. Algorithms developed to predict the effect of missense changes on protein structure and function are either unavailable or do not agree on the potential impact of this missense change (SIFT: "Deleterious"; PolyPhen-2: "Possibly Damaging"; Align-GVGD: "Class C0"). In summary, the available evidence is currently insufficient to determine the role of this variant in disease. Therefore, it has been classified as a Variant of Uncertain Significance.

NM_005956.4(MTHFD1):c.1502G>T (p.Gly501Val)

Gene: MTHFD1 (methylenetetrahydrofolate dehydrogenase, cyclohydrolase and formyltetrahydrofolate synthetase 1; plus strand). Cytogenetic location: 14q23.3.
Variant type: single nucleotide variant.
Coding change: c.1502G>T on transcript NM_005956.4 (MANE Select); coding-DNA position 1502, G replaced by T.
Protein change: p.Gly501Val; replaces glycine 501 with valine.
Molecular consequence: missense variant.
Genome position (GRCh38, 1-based): chr14:64,435,576, G>T. VCF-style: chr14-64435576-G-T. GRCh37 (hg19) VCF-style: chr14-64902294-G-T.
Other names: c.1502G>T, p.Gly501Val (NM_001364837.1); short protein forms G501V.
Identifiers: ClinVar variation 1487339 (VCV001487339.8), dbSNP rs1209981053, ClinGen allele CA389993312.